The following is an entry in ClinVar:

NM_004360.5(CDH1):c.309G>C (p.Trp103Cys)

Gene: CDH1 (cadherin 1; plus strand). Cytogenetic location: 16q22.1.
Variant type: single nucleotide variant.
Coding change: c.309G>C on transcript NM_004360.5 (MANE Select); coding-DNA position 309, G replaced by C.
Protein change: p.Trp103Cys; replaces tryptophan 103 with cysteine.
Molecular consequence: missense variant. On other transcripts: 5 prime UTR variant (2).
Genome position (GRCh38, 1-based): chr16:68,801,815, G>C. VCF-style: chr16-68801815-G-C. GRCh37 (hg19) VCF-style: chr16-68835718-G-C.
Other names: c.309G>C, p.Trp103Cys (NM_001317184.2); c.-1307G>C (NM_001317185.2); c.-1511G>C (NM_001317186.2); short protein forms W103C.
Identifiers: ClinVar variation 1727582 (VCV001727582.8), dbSNP rs2152126900, ClinGen allele CA396457355.

ClinVar aggregate classification (germline): Uncertain significance. Review status: criteria provided, multiple submitters, no conflicts (2 of 4 stars). 2 submissions from 2 submitters: Uncertain significance (2). Last evaluated 2025-07-15.

Conditions:
Hereditary cancer-predisposing syndrome. Also called: Neoplastic Syndromes, Hereditary; Tumor predisposition; Hereditary Cancer Syndrome; Hereditary neoplastic syndrome. Identifiers: Orphanet 140162, MedGen C0027672, MeSH D009386, MONDO:0015356.
Hereditary diffuse gastric adenocarcinoma (HDGC). Also called: DIFFUSE GASTRIC AND LOBULAR BREAST CANCER SYNDROME. Identifiers: Orphanet 26106, MedGen C1708349, MONDO:0007648, OMIM 137215.

Allele frequency attached by ClinVar (database versions not stated): gnomAD exomes below 0.00001.
gnomAD v4.1: 1 of 1,614,122 alleles (0.000062%); highest among the groups gnomAD compares: South Asian, 0.0011%; no homozygotes.

Submissions (2):

Ambry Genetics
Classification: Uncertain significance for Hereditary cancer-predisposing syndrome. Last evaluated: 2025-07-15. Review status: criteria provided, single submitter. Criteria: Ambry Variant Classification Scheme 2023. Collection method: clinical testing. Allele origin: germline.
Comment: The p.W103C variant (also known as c.309G>C), located in coding exon 3 of the CDH1 gene, results from a G to C substitution at nucleotide position 309. The tryptophan at codon 103 is replaced by cysteine, an amino acid with highly dissimilar properties. This amino acid position is highly conserved in available vertebrate species. In addition, the in silico prediction for this alteration is inconclusive. Based on the available evidence, the clinical significance of this variant remains unclear.

Labcorp Genetics (formerly Invitae), Labcorp
Classification: Uncertain significance for Hereditary diffuse gastric adenocarcinoma. Last evaluated: 2025-03-15. Review status: criteria provided, single submitter. Criteria: Invitae Variant Classification Sherloc (09022015). Collection method: clinical testing. Allele origin: germline.
Comment: This sequence change replaces tryptophan, which is neutral and slightly polar, with cysteine, which is neutral and slightly polar, at codon 103 of the CDH1 protein (p.Trp103Cys). This variant is not present in population databases (gnomAD no frequency). This variant has not been reported in the literature in individuals affected with CDH1-related conditions. ClinVar contains an entry for this variant (Variation ID: 1727582). An algorithm developed to predict the effect of missense changes on protein structure and function (PolyPhen-2) suggests that this variant is likely to be disruptive. In summary, the available evidence is currently insufficient to determine the role of this variant in disease. Therefore, it has been classified as a Variant of Uncertain Significance.